The following is an entry in ClinVar:

ClinVar aggregate classification (germline): Uncertain significance. Review status: criteria provided, multiple submitters, no conflicts (2 of 4 stars). 2 submissions from 2 submitters: Uncertain significance (2). Last evaluated 2024-06-10.

Conditions:
Inborn genetic diseases. Identifiers: MedGen C0950123, MeSH D030342.

Submissions (2):

Ambry Genetics
Classification: Uncertain significance for Inborn genetic diseases. Last evaluated: 2024-06-10. Review status: criteria provided, single submitter. Criteria: Ambry Variant Classification Scheme 2023. Collection method: clinical testing. Allele origin: germline.

Labcorp Genetics (formerly Invitae), Labcorp
Classification: Uncertain significance. Last evaluated: 2022-02-20. Review status: criteria provided, single submitter. Criteria: Invitae Variant Classification Sherloc (09022015). Collection method: clinical testing. Allele origin: germline.
Comment: This variant has not been reported in the literature in individuals affected with STX3-related conditions. In summary, the available evidence is currently insufficient to determine the role of this variant in disease. Therefore, it has been classified as a Variant of Uncertain Significance. Algorithms developed to predict the effect of missense changes on protein structure and function are either unavailable or do not agree on the potential impact of this missense change (SIFT: "Tolerated"; PolyPhen-2: "Probably Damaging"; Align-GVGD: "Class C0"). This variant is not present in population databases (gnomAD no frequency). This sequence change replaces alanine, which is neutral and non-polar, with proline, which is neutral and non-polar, at codon 219 of the STX3 protein (p.Ala219Pro).

NM_004177.5(STX3):c.655G>C (p.Ala219Pro)

Gene: STX3 (syntaxin 3; plus strand). Cytogenetic location: 11q12.1.
Variant type: single nucleotide variant.
Coding change: c.655G>C on transcript NM_004177.5 (MANE Select); coding-DNA position 655, G replaced by C.
Protein change: p.Ala219Pro; replaces alanine 219 with proline.
Molecular consequence: missense variant.
Genome position (GRCh38, 1-based): chr11:59,793,494, G>C. VCF-style: chr11-59793494-G-C. GRCh37 (hg19) VCF-style: chr11-59560967-G-C.
Other names: c.655G>C, p.Ala219Pro (NM_001178040.3); short protein forms A219P.
Identifiers: ClinVar variation 1974536 (VCV001974536.6), dbSNP rs376160845, ClinGen allele CA380799865.
Genomic context (GRCh38, chr11:59,793,494, plus strand): 5'-AAGGACATTGTGAGGCTGGAGAGCAGCATCAAGGAGCTTCACGACATGTTTATGGACATC[G>C]CCATGCTGGTGGAGAATCAGGTAAGTGGCAGTGAGTCCCAGCGTGGGGAGGGAGGAGAGG-3'
Protein context (NP_004168.1, residues 209-229): KELHDMFMDI[Ala219Pro]MLVENQGEML